The following is an entry in ClinVar:

ClinVar aggregate classification (germline): Likely benign (0 of 4 stars; one submission).

Conditions:
PCNT-related disorder. Also called: PCNT-related condition.

Submission:

PreventionGenetics, part of Exact Sciences
Classification: Likely benign for PCNT-related condition. Last evaluated: 2022-11-16. Review status: no assertion criteria provided. Collection method: clinical testing. Allele origin: germline.
Comment: This variant is classified as likely benign based on ACMG/AMP sequence variant interpretation guidelines (Richards et al. 2015 PMID: 25741868, with internal and published modifications).

NM_006031.6(PCNT):c.8643G>A (p.Arg2881=)

Gene: PCNT (pericentrin; plus strand). Cytogenetic location: 21q22.3.
Variant type: single nucleotide variant.
Coding change: c.8643G>A on transcript NM_006031.6 (MANE Select); coding-DNA position 8643, G replaced by A.
Protein change: p.Arg2881=; no amino-acid change (arginine 2881 retained).
Molecular consequence: synonymous variant. On other transcripts: intron variant (1).
Genome position (GRCh38, 1-based): chr21:46,432,107, G>A. VCF-style: chr21-46432107-G-A. GRCh37 (hg19) VCF-style: chr21-47852021-G-A.
Other names: c.8160+129G>A (NM_001315529.2).
Identifiers: ClinVar variation 3354556 (VCV003354556.1).